The following is an entry in ClinVar:

ClinVar aggregate classification (germline): Uncertain significance (1 of 4 stars; one submission).

Allele frequency attached by ClinVar (database versions not stated): gnomAD exomes below 0.00001; gnomAD 0.00001; TOPMed 0.00001.
gnomAD v4.1: 3 of 1,588,944 alleles (0.00019%); highest among the groups gnomAD compares: Non-Finnish European, 0.00026%; no homozygotes.

Submission:

Labcorp Genetics (formerly Invitae), Labcorp
Classification: Uncertain significance. Last evaluated: 2022-08-21. Review status: criteria provided, single submitter. Criteria: Invitae Variant Classification Sherloc (09022015). Collection method: clinical testing. Allele origin: germline.
Comment: In summary, the available evidence is currently insufficient to determine the role of this variant in disease. Therefore, it has been classified as a Variant of Uncertain Significance. Variants that disrupt the consensus splice site are a relatively common cause of aberrant splicing (PMID: 17576681, 9536098). Algorithms developed to predict the effect of sequence changes on RNA splicing suggest that this variant may create or strengthen a splice site. This variant has not been reported in the literature in individuals affected with MMP14-related conditions. This variant is not present in population databases (gnomAD no frequency). This sequence change falls in intron 5 of the MMP14 gene. It does not directly change the encoded amino acid sequence of the MMP14 protein. It affects a nucleotide within the consensus splice site.

Literature cited by the submitters: PubMed 17576681; PubMed 9536098.

NM_004995.4(MMP14):c.851-3C>A

Gene: MMP14 (matrix metallopeptidase 14; plus strand). Cytogenetic location: 14q11.2.
Variant type: single nucleotide variant.
Coding change: c.851-3C>A on transcript NM_004995.4 (MANE Select); 3 bases into the intron before coding-DNA position 851, C replaced by A.
Molecular consequence: intron variant.
Genome position (GRCh38, 1-based): chr14:22,843,707, C>A. VCF-style: chr14-22843707-C-A. GRCh37 (hg19) VCF-style: chr14-23312916-C-A.
Identifiers: ClinVar variation 1929935 (VCV001929935.5), dbSNP rs1483916714, ClinGen allele CA613315710.
Genomic context (GRCh38, chr14:22,843,707, plus strand): 5'-TGTCTGTCCTTCCGTCCCCGCCTCCTCCTAAGTCTGAAATGCCCCTCGTGTTTTCTGCCC[C>A]AGGGGGTGAGTCAGGGTTCCCCACCAAGATGCCCCCTCAACCCAGGACTACCTCCCGGCC-3'